The following is an entry in ClinVar:

ClinVar aggregate classification (germline): Conflicting classifications of pathogenicity. Review status: criteria provided, conflicting classifications (1 of 4 stars). 3 submissions from 1 submitter: Uncertain significance (1); Benign (2). Last evaluated 2018-01-12.

Conditions:
Primary erythromelalgia. Also called: SCN9A Erythromelalgia (SCN9A-EM); primary erythermalgia. Identifiers: Orphanet 306577, Orphanet 90026, MedGen C0014805, MONDO:0007571, OMIM 133020.
Channelopathy-associated congenital insensitivity to pain, autosomal recessive. Also called: Insensitivity to pain, channelopathy-associated; ASYMBOLIA FOR PAIN; CONGENITAL ANALGESIA, AUTOSOMAL RECESSIVE. Identifiers: Orphanet 88642, Orphanet 970, MedGen C1855739, MONDO:0009459, OMIM 243000.
Paroxysmal extreme pain disorder (PEXPD). Also called: PAIN, SUBMANDIBULAR, OCULAR, AND RECTAL, WITH FLUSHING; RECTAL PAIN, FAMILIAL; SCN9A Paroxysmal Extreme Pain Disorder (SCN9A-PEPD). Identifiers: Orphanet 46348, MedGen C1833661, MONDO:0008179, OMIM 167400.

Allele frequency attached by ClinVar (database versions not stated): 1000 Genomes Project 0.00040; 1000 Genomes Project 30x 0.00078; TOPMed 0.00166; gnomAD 0.00177 and 0.00193.

Submissions (3):

Illumina Laboratory Services, Illumina
Classification: Benign for Primary erythromelalgia. Last evaluated: 2018-01-12. Review status: criteria provided, single submitter. Criteria: ICSL Variant Classification Criteria 13 December 2019. Collection method: clinical testing. Allele origin: germline.
Comment: This variant was observed in the ICSL laboratory as part of a predisposition screen in an ostensibly healthy population. It had not been previously curated by ICSL or reported in the Human Gene Mutation Database (HGMD: prior to June 1st, 2018), and was therefore a candidate for classification through an automated scoring system. Utilizing variant allele frequency, disease prevalence and penetrance estimates, and inheritance mode, an automated score was calculated to assess if this variant is too frequent to cause the disease. Based on the score and internal cut-off values, a variant classified as benign is not then subjected to further curation. The score for this variant resulted in a classification of benign for this disease.

Illumina Laboratory Services, Illumina
Classification: Uncertain significance for Channelopathy-associated congenital insensitivity to pain, autosomal recessive. Last evaluated: 2018-01-12. Review status: criteria provided, single submitter. Criteria: ICSL Variant Classification Criteria 13 December 2019. Collection method: clinical testing. Allele origin: germline.

Illumina Laboratory Services, Illumina
Classification: Benign for Paroxysmal extreme pain disorder. Last evaluated: 2018-01-12. Review status: criteria provided, single submitter. Criteria: ICSL Variant Classification Criteria 13 December 2019. Collection method: clinical testing. Allele origin: germline.
Comment: the same text as in the submission from Illumina Laboratory Services, Illumina above.

NM_001365536.1(SCN9A):c.*2228G>T

Genes: SCN1A-AS1 (SCN1A and SCN9A antisense RNA 1; plus strand), SCN9A (sodium voltage-gated channel alpha subunit 9; minus strand). Cytogenetic location: 2q24.3.
Variant type: single nucleotide variant.
Coding change: c.*2228G>T on transcript NM_001365536.1 (MANE Select); 2228 bases downstream of the stop codon, G replaced by T.
Molecular consequence: 3 prime UTR variant.
Genome position (GRCh38, 1-based): chr2:166,196,444, C>A on the plus strand (G>T on the coding strand, the complement: SCN9A is on the minus strand). VCF-style: chr2-166196444-C-A. GRCh37 (hg19) VCF-style: chr2-167052954-C-A.
Other names: c.*2228G>T (NM_002977.4).
Identifiers: ClinVar variation 331914 (VCV000331914.6), dbSNP rs200790957, ClinGen allele CA10612767.
Genomic context (GRCh38, chr2:166,196,444, plus strand): 5'-TAGGAAAAAGAACAACTTTATATATATTTTTGAAATGCTAAGAAGAAATTGTGTTGTTAA[C>A]AAACCAGTTGCCCATATTTTTTATTTTACATAAAAACAAGGCAATGTAAAAACATTAATA-3'